The following is an entry in ClinVar:

ClinVar aggregate classification (germline): Likely benign (1 of 4 stars; one submission).

Conditions:
Hereditary cancer-predisposing syndrome. Also called: Tumor predisposition; Hereditary Cancer Syndrome; Neoplastic Syndromes, Hereditary; Hereditary neoplastic syndrome. Identifiers: Orphanet 140162, MedGen C0027672, MeSH D009386, MONDO:0015356.

Submission:

Molecular Diagnostics Laboratory, Catalan Institute of Oncology
Classification: Likely benign for Hereditary cancer-predisposing syndrome. Last evaluated: 2024-11-18. Review status: criteria provided, single submitter. Criteria: ACMG Guidelines, 2015. Collection method: clinical testing. Allele origin: germline.
Comment: BP4, BP7, PM2_Supporting c.3210G>A (MANE Select NM_000245.4) or c.3264G>A (NM_001127500.1), located in exon 15 of the MET is predicted to result in no amino acid change, p.(Val1070=)(MANE Select NM_000245.4) or p.(Val1088=)(NM_001127500.1)(BP7).It is not present in the population database gnomAD v2.1.1, non cancer dataset (PM2_Supporting). The SpliceAI algorithm predicts no significant impact on splicing (BP4). To our knowledge, neither clinical data nor functional studies have been reported for this variant. This variant has not been identified neither ClinVar nor LOVD databases. Based on currently available information, the variant c.3210G>A is classified as a likely benign variant according to ACMG guidelines.

NM_000245.4(MET):c.3210G>A (p.Val1070=)

Gene: MET (MET proto-oncogene, receptor tyrosine kinase; plus strand). Cytogenetic location: 7q31.2.
Variant type: single nucleotide variant.
Coding change: c.3210G>A on transcript NM_000245.4 (MANE Select); coding-DNA position 3210, G replaced by A.
Protein change: p.Val1070=; no amino-acid change (valine 1070 retained).
Molecular consequence: synonymous variant.
Genome position (GRCh38, 1-based): chr7:116,775,062, G>A. VCF-style: chr7-116775062-G-A. GRCh37 (hg19) VCF-style: chr7-116415116-G-A.
Other names: c.3264G>A, p.Val1088= (NM_001127500.3); c.1920G>A, p.Val640= (NM_001324402.2).
Identifiers: ClinVar variation 3774470 (VCV003774470.1).